The following is an entry in ClinVar:

ClinVar aggregate classification (germline): Likely pathogenic (1 of 4 stars; one submission).

Submission:

GeneDx
Classification: Likely pathogenic. Last evaluated: 2022-10-10. Review status: criteria provided, single submitter. Criteria: GeneDx Variant Classification Process June 2021. Collection method: clinical testing. Allele origin: germline. Affected: yes.
Comment: Affects a cysteine residue within a calcium-binding EGF-like domain of the FBN1 gene, which may affect disulfide bonding and is predicted to alter the structure and function of the protein; cysteine substitutions in the calcium-binding EGF-like domains represent the majority of pathogenic missense changes associated with FBN1-related disorders (Collod-Beroud et al., 2003); Not observed at significant frequency in large population cohorts (gnomAD); In silico analysis supports that this missense variant has a deleterious effect on protein structure/function; Has not been previously published as pathogenic or benign to our knowledge; This variant is associated with the following publications: (PMID: 12938084)

NM_000138.5(FBN1):c.5665T>C (p.Cys1889Arg)

Gene: FBN1 (fibrillin 1; minus strand). Cytogenetic location: 15q21.1.
Variant type: single nucleotide variant.
Coding change: c.5665T>C on transcript NM_000138.5 (MANE Select); coding-DNA position 5665, T replaced by C.
Protein change: p.Cys1889Arg; replaces cysteine 1889 with arginine.
Molecular consequence: missense variant.
Genome position (GRCh38, 1-based): chr15:48,448,774, A>G on the plus strand (T>C on the coding strand, the complement: FBN1 is on the minus strand). VCF-style: chr15-48448774-A-G. GRCh37 (hg19) VCF-style: chr15-48740971-A-G.
Other names: c.5665T>C, p.Cys1889Arg (NM_001406716.1); short protein forms C1889R.
Identifiers: ClinVar variation 2497951 (VCV002497951.1), dbSNP rs2505463095, ClinGen allele CA392341666.
Genomic context (GRCh38, chr15:48,448,774, plus strand): 5'-TCAAATGAAGCTTTCAACAGCATATGAAAAAAATAATAATAATTGCATACTTACCCAAGC[A>G]CATGGTTTGGTCATCATTTGTTTTAAAACCAGTGTGGCAAAGGCAATAAAAGCTTCCAAC-3'
Protein context (NP_000129.3, residues 1879-1899): GFKTNDDQTM[Cys1889Arg]LDINECERDA